The following is an entry in ClinVar:

ClinVar aggregate classification (germline): Benign. Review status: criteria provided, multiple submitters, no conflicts (2 of 4 stars). 4 submissions from 4 submitters: Benign (3). 1 of the submissions does not count toward it. Last evaluated 2026-02-02.

Conditions:
COL13A1-related disorder. Also called: COL13A1-related condition.

Allele frequency attached by ClinVar (database versions not stated): 1000 Genomes Project 0.00719; 1000 Genomes Project 30x 0.00843; TOPMed 0.00998; ESP Exome Variant Server 0.01042.
gnomAD v4.1: 14,108 of 1,613,006 alleles (0.87%); highest among the groups gnomAD compares: African/African-American, 1.5%; 83 homozygotes.

Submissions (4):

Labcorp Genetics (formerly Invitae), Labcorp
Classification: Benign. Last evaluated: 2026-02-02. Review status: criteria provided, single submitter. Criteria: Invitae Variant Classification Sherloc (09022015). Collection method: clinical testing. Allele origin: germline.

Mayo Clinic Laboratories, Mayo Clinic
Classification: Benign. Last evaluated: 2023-07-05. Review status: criteria provided, single submitter. Criteria: ACMG Guidelines, 2015. Collection method: clinical testing. Allele origin: germline. Observed: 7 variant alleles.
Comment: BS1, BS2

Breakthrough Genomics
Classification: Benign. Review status: criteria provided, single submitter. Criteria: ACMG Guidelines, 2015. Collection method: not provided. Allele origin: germline. Inheritance: Autosomal recessive inheritance. Affected: yes.

PreventionGenetics, part of Exact Sciences
Classification: Benign for COL13A1-related condition. Last evaluated: 2019-08-01. Review status: no assertion criteria provided. Collection method: clinical testing. Allele origin: germline. Not counted in ClinVar's aggregate classification.
Comment: This variant is classified as benign based on ACMG/AMP sequence variant interpretation guidelines (Richards et al. 2015 PMID: 25741868, with internal and published modifications).

NM_001368882.1(COL13A1):c.478G>A (p.Ala160Thr)

Gene: COL13A1 (collagen type XIII alpha 1 chain; plus strand). Cytogenetic location: 10q22.1.
Variant type: single nucleotide variant.
Coding change: c.478G>A on transcript NM_001368882.1 (MANE Select); coding-DNA position 478, G replaced by A.
Protein change: p.Ala160Thr; replaces alanine 160 with threonine.
Molecular consequence: missense variant. On other transcripts: 5 prime UTR variant (1), intron variant (5).
Genome position (GRCh38, 1-based): chr10:69,880,518, G>A. VCF-style: chr10-69880518-G-A. GRCh37 (hg19) VCF-style: chr10-71640274-G-A.
Other names: p.Ala151Thr; c.451G>A, p.Ala151Thr (NM_001130103.2, NM_080800.4, NM_080801.4 and 1 more transcripts); c.478G>A, p.Ala160Thr (NM_001320951.2, NM_001368884.1); c.442G>A, p.Ala148Thr (NM_001368883.1, NM_001368885.1); c.-123G>A (NM_001368886.1); c.388G>A, p.Ala130Thr (NM_001368895.1); c.400-6938G>A (NM_080805.4, NM_001368897.1); c.373-6938G>A (NM_001368898.1, NM_080798.4, NM_001368896.1); short protein forms A130T, A148T, A151T, A160T.
Identifiers: ClinVar variation 777193 (VCV000777193.14), dbSNP rs144774788, ClinGen allele CA5534181.
Genomic context (GRCh38, chr10:69,880,518, plus strand): 5'-CCTCCCTGCCCCTCGCTCCCTCTCCCCCTTCCTCTCTCCCCGCAGGGGTCCCCCGGAGAC[G>A]CTGGGCTGTCCATCATTGGTCCCCGCGGCCCCCCTGTAAGTTGTTTTTGCTCTTCCTCGG-3'
Protein context (NP_001355811.1, residues 150-170): QPGEKGSPGD[Ala160Thr]GLSIIGPRGP